The following is an entry in ClinVar:

NM_001283009.2(RTEL1):c.3725G>T (p.Cys1242Phe)

Genes: RTEL1 (regulator of telomere elongation helicase 1; plus strand), RTEL1-TNFRSF6B (RTEL1-TNFRSF6B readthrough (NMD candidate); plus strand). Cytogenetic location: 20q13.33.
Variant type: single nucleotide variant.
Coding change: c.3725G>T on transcript NM_001283009.2 (MANE Select); coding-DNA position 3725, G replaced by T.
Protein change: p.Cys1242Phe; replaces cysteine 1242 with phenylalanine.
Molecular consequence: missense variant. On other transcripts: non-coding transcript variant (1), intron variant (3).
Genome position (GRCh38, 1-based): chr20:63,695,553, G>T. VCF-style: chr20-63695553-G-T. GRCh37 (hg19) VCF-style: chr20-62326906-G-T.
Other names: c.2983+73G>T (NM_001283010.1); c.3724+73G>T (NM_032957.5); c.3652+73G>T (NM_016434.4); short protein forms C1242F.
Identifiers: ClinVar variation 1384000 (VCV001384000.3), dbSNP rs765990015, ClinGen allele CA409686579.

ClinVar aggregate classification (germline): Uncertain significance (1 of 4 stars; one submission).

Conditions:
Dyskeratosis congenita, autosomal recessive 5 (DKCB5). Identifiers: MedGen C3554656, MONDO:0014076, OMIM 615190.
Pulmonary fibrosis and/or bone marrow failure, Telomere-related, 3. Also called: PULMONARY FIBROSIS AND/OR BONE MARROW FAILURE SYNDROME, TELOMERE-RELATED, 3. Identifiers: Orphanet 2032, MedGen C4225346, MONDO:0014613, OMIM 616373.

Submission:

Labcorp Genetics (formerly Invitae), Labcorp
Classification: Uncertain significance for Dyskeratosis congenita, autosomal recessive 5; Pulmonary fibrosis and/or bone marrow failure, Telomere-related, 3. Last evaluated: 2021-10-01. Review status: criteria provided, single submitter. Criteria: Invitae Variant Classification Sherloc (09022015). Collection method: clinical testing. Allele origin: germline.
Comment: This sequence change replaces cysteine with phenylalanine at codon 1242 of the RTEL1 protein (p.Cys1242Phe). The cysteine residue is weakly conserved and there is a large physicochemical difference between cysteine and phenylalanine. This variant is not present in population databases (ExAC no frequency). This variant has not been reported in the literature in individuals affected with RTEL1-related conditions. Algorithms developed to predict the effect of missense changes on protein structure and function (SIFT, PolyPhen-2, Align-GVGD) all suggest that this variant is likely to be tolerated. In summary, the available evidence is currently insufficient to determine the role of this variant in disease. Therefore, it has been classified as a Variant of Uncertain Significance.